The following is an entry in ClinVar:

NM_194454.3(KRIT1):c.1513C>T (p.Gln505Ter)

Gene: KRIT1 (KRIT1 ankyrin repeat containing; minus strand). Cytogenetic location: 7q21.2.
Variant type: single nucleotide variant.
Coding change: c.1513C>T on transcript NM_194454.3 (MANE Select); coding-DNA position 1513, C replaced by T.
Protein change: p.Gln505Ter; replaces glutamine 505 with a stop codon.
Molecular consequence: nonsense.
Genome position (GRCh38, 1-based): chr7:92,221,952, G>A on the plus strand (C>T on the coding strand, the complement: KRIT1 is on the minus strand). VCF-style: chr7-92221952-G-A. GRCh37 (hg19) VCF-style: chr7-91851266-G-A.
Other names: c.1369C>T, p.Gln457Ter (NM_001013406.2, NM_001350669.1, NM_001350670.1); c.799C>T, p.Gln267Ter (NM_001350671.1); c.1513C>T, p.Gln505Ter (NM_001350672.1, NM_001350673.1, NM_001350674.1 and 26 more transcripts); short protein forms Q505*, Q457*, Q267*.
Identifiers: ClinVar variation 590709 (VCV000590709.10), dbSNP rs1563263366, ClinGen allele CA368145820.

ClinVar aggregate classification (germline): Pathogenic. Review status: criteria provided, multiple submitters, no conflicts (2 of 4 stars). 2 submissions from 2 submitters: Pathogenic (2). Last evaluated 2021-08-15.

Conditions:
Cerebral cavernous malformation (CCM). Also called: Cavernous Hemangioma of Brain; Cerebral cavernous hemangioma (type); Cerebral cavernous malformations; CAVERNOUS ANGIOMA, FAMILIAL; CAVERNOUS ANGIOMATOUS MALFORMATIONS; CEREBRAL CAPILLARY MALFORMATIONS. Identifiers: Orphanet 221061, MedGen C2919945, MONDO:0000820, OMIM 116860, HP:0033522.

Allele frequency attached by ClinVar (database versions not stated): gnomAD exomes below 0.00001.
gnomAD v4.1: 1 of 1,613,830 alleles (0.000062%); highest among the groups gnomAD compares: South Asian, 0.0011%; no homozygotes.

Submissions (2):

Labcorp Genetics (formerly Invitae), Labcorp
Classification: Pathogenic for Cerebral cavernous malformation. Last evaluated: 2021-08-15. Review status: criteria provided, single submitter. Criteria: Invitae Variant Classification Sherloc (09022015). Collection method: clinical testing. Allele origin: germline.
Comment: For these reasons, this variant has been classified as Pathogenic. Loss-of-function variants in KRIT1 are known to be pathogenic (PMID: 10508515, 11222804, 12404106, 24689081). This variant has been observed in individual(s) with cerebral cavernous malformations (PMID: 11222804). It has also been observed to segregate with disease in related individuals. This variant is also known as c.892C>T (p.Q279X). ClinVar contains an entry for this variant (Variation ID: 590709). This variant is not present in population databases (ExAC no frequency). This sequence change creates a premature translational stop signal (p.Gln505*) in the KRIT1 gene. It is expected to result in an absent or disrupted protein product.

PreventionGenetics, part of Exact Sciences
Classification: Pathogenic. Last evaluated: 2015-08-12. Review status: criteria provided, single submitter. Criteria: ACMG Guidelines, 2015. Collection method: clinical testing. Allele origin: germline.

Literature cited by the submitters: PubMed 10508515 (cited by Labcorp Genetics (formerly Invitae), Labcorp); PubMed 11222804 (cited by Labcorp Genetics (formerly Invitae), Labcorp); PubMed 12404106 (cited by Labcorp Genetics (formerly Invitae), Labcorp); PubMed 24689081 (cited by Labcorp Genetics (formerly Invitae), Labcorp).